The following is an entry in ClinVar:

NM_024580.6(EFL1):c.1090_1092del (p.Pro364del)

Gene: EFL1 (elongation factor like GTPase 1; minus strand). Cytogenetic location: 15q25.2.
Variant type: Deletion.
Coding change: c.1090_1092del on transcript NM_024580.6 (MANE Select); coding-DNA positions 1090 to 1092, 3 bases deleted (CCT; older notation c.1090_1092delCCT).
Protein change: p.Pro364del; deletes proline 364.
Molecular consequence: inframe deletion. On other transcripts: non-coding transcript variant (1).
Genome position (GRCh38, 1-based): chr15:82,227,550-82,227,552, AGG deleted on the plus strand (CCT on the coding strand, the reverse complement: EFL1 is on the minus strand); deleting any 3 consecutive bases within chr15:82,227,550-82,227,553 gives the same sequence; the c. name uses the placement nearest the transcript's 3' end. VCF-style (leftmost placement, unchanged base first): chr15-82227549-TAGG-T. GRCh37 (hg19) VCF-style: chr15-82519890-TAGG-T.
Other names: c.937_939del, p.Pro313del (NM_001040610.3); c.301_303del, p.Pro101del (NM_001322844.2); c.1090_1092del, p.Pro364del (NM_001322845.2); short protein forms P364del, P101del, P313del.
Identifiers: ClinVar variation 2119252 (VCV002119252.4), dbSNP rs2505488767, ClinGen allele CA2580090072.

ClinVar aggregate classification (germline): Uncertain significance (1 of 4 stars; one submission).

Submission:

Labcorp Genetics (formerly Invitae), Labcorp
Classification: Uncertain significance. Last evaluated: 2022-03-29. Review status: criteria provided, single submitter. Criteria: Invitae Variant Classification Sherloc (09022015). Collection method: clinical testing. Allele origin: germline.
Comment: This variant is not present in population databases (gnomAD no frequency). In summary, the available evidence is currently insufficient to determine the role of this variant in disease. Therefore, it has been classified as a Variant of Uncertain Significance. Algorithms developed to predict the effect of sequence changes on RNA splicing suggest that this variant may create or strengthen a splice site. This variant has not been reported in the literature in individuals affected with EFL1-related conditions. This variant, c.1090_1092del, results in the deletion of 1 amino acid(s) of the EFL1 protein (p.Pro364del), but otherwise preserves the integrity of the reading frame.